The following is an entry in ClinVar:

ClinVar aggregate classification (germline): Pathogenic (1 of 4 stars; one submission).

Conditions:
Birt-Hogg-Dube syndrome. Also called: Birt Hogg Dubé syndrome. Identifiers: Orphanet 122, MedGen C0346010, MONDO:0800444.

Submission:

Labcorp Genetics (formerly Invitae), Labcorp
Classification: Pathogenic for Birt-Hogg-Dube syndrome. Last evaluated: 2025-07-16. Review status: criteria provided, single submitter. Criteria: Invitae Variant Classification Sherloc (09022015). Collection method: clinical testing. Allele origin: germline.
Comment: This sequence change creates a premature translational stop signal (p.Glu70*) in the FLCN gene. It is expected to result in an absent or disrupted protein product. Loss-of-function variants in FLCN are known to be pathogenic (PMID: 15852235). This variant is not present in population databases (gnomAD no frequency). This premature translational stop signal has been observed in individual(s) with Birt-Hogg-Dubé syndrome (PMID: 37170274). For these reasons, this variant has been classified as Pathogenic.

Literature cited by the submitters: PubMed 15852235; PubMed 37170274.

NM_144997.7(FLCN):c.208G>T (p.Glu70Ter)

Gene: FLCN (folliculin; minus strand). Cytogenetic location: 17p11.2.
Variant type: single nucleotide variant.
Coding change: c.208G>T on transcript NM_144997.7 (MANE Select); coding-DNA position 208, G replaced by T.
Protein change: p.Glu70Ter; replaces glutamic acid 70 with a stop codon.
Molecular consequence: nonsense.
Genome position (GRCh38, 1-based): chr17:17,227,930, C>A on the plus strand (G>T on the coding strand, the complement: FLCN is on the minus strand). VCF-style: chr17-17227930-C-A. GRCh37 (hg19) VCF-style: chr17-17131244-C-A.
Other names: c.208G>T, p.Glu70Ter (NM_001353229.2, NM_001353230.2, NM_001353231.2 and 1 more transcripts); short protein forms E70*.
Identifiers: ClinVar variation 4697299 (VCV004697299.1).